The following is an entry in ClinVar:

ClinVar aggregate classification (germline): Benign. Review status: criteria provided, multiple submitters, no conflicts (2 of 4 stars). 5 submissions from 5 submitters: Benign (4). 1 of the submissions does not count toward it. Last evaluated 2026-02-04.

Conditions:
Otitis media. Identifiers: MedGen C0029882, MONDO:0005441, HP:0000388.

Allele frequency attached by ClinVar (database versions not stated): 1000 Genomes Project 30x 0.02608; 1000 Genomes Project 0.02696; TOPMed 0.03458; gnomAD 0.03504 and 0.03588; ESP Exome Variant Server 0.03944; gnomAD exomes 0.04318 and 0.04879; ExAC 0.04442.

Submissions (5):

Labcorp Genetics (formerly Invitae), Labcorp
Classification: Benign. Last evaluated: 2026-02-04. Review status: criteria provided, single submitter. Criteria: Invitae Variant Classification Sherloc (09022015). Collection method: clinical testing. Allele origin: germline.

Blueprint Genetics
Classification: Benign. Last evaluated: 2024-11-27. Review status: criteria provided, single submitter. Criteria: ACMG Guidelines, 2015. Collection method: clinical testing. Allele origin: germline.

Women's Health and Genetics/Laboratory Corporation of America, LabCorp
Classification: Benign. Last evaluated: 2019-08-12. Review status: criteria provided, single submitter. Criteria: LabCorp Variant Classification Summary - May 2015. Collection method: clinical testing. Allele origin: germline.
Comment: Variant summary: A2ML1 c.3676_3677delGC (p.Ala1226GlnfsX34) results in a premature termination codon, predicted to cause a truncation of the encoded protein or absence of the protein due to nonsense mediated decay. However, the variant allele was found at a frequency of 0.043 in 249188 control chromosomes, predominantly at a frequency of 0.068 within the South Asian subpopulation in the gnomAD database, including 87 homozygotes. The observed variant frequency within South Asian control individuals in the gnomAD database is approximately 17000-folds over the estimated maximal expected allele frequency for a pathogenic variant in A2ML1 causing Noonan Syndrome phenotype (4e-06), strongly suggesting that the variant is a benign polymorphism found primarily in populations of South Asian origin. Two ClinVar submissions (evaluation after 2014) cite the variant as benign. Based on the evidence outlined above, the variant was classified as benign.

GeneDx
Classification: Benign. Last evaluated: 2018-06-08. Review status: criteria provided, single submitter. Criteria: GeneDx Variant Classification Process June 2021. Collection method: clinical testing. Allele origin: germline. Affected: yes.
Comment: This variant is associated with the following publications: (PMID: 24896146)

University of Washington Center for Mendelian Genomics, University of Washington
Classification: Uncertain significance for Otitis media. Review status: no assertion criteria provided. Collection method: research. Allele origin: inherited. Affected: yes. Not counted in ClinVar's aggregate classification.

Literature cited by the submitters: PubMed 31009165 (cited by University of Washington Center for Mendelian Genomics, University of Washington).

NM_144670.6(A2ML1):c.3676_3677del (p.Ala1226fs)

Gene: A2ML1 (alpha-2-macroglobulin like 1; plus strand). Cytogenetic location: 12p13.31.
Variant type: Deletion.
Coding change: c.3676_3677del on transcript NM_144670.6 (MANE Select); coding-DNA positions 3676 to 3677, 2 bases deleted (GC; older notation c.3676_3677delGC).
Protein change: p.Ala1226fs; shifts the reading frame from alanine 1226.
Molecular consequence: frameshift variant.
Genome position (GRCh38, 1-based): chr12:8,863,967-8,863,968, GC deleted. VCF-style (leftmost placement, unchanged base first): chr12-8863966-GGC-G. GRCh37 (hg19) VCF-style: chr12-9016562-GGC-G.
Other names: c.2203_2204del, p.Ala735fs (NM_001282424.3); c.3676_3677del (NM_144670.4); c.3676_3677delGC (NM_144670.5); short protein forms A1226fs, A735fs.
Identifiers: ClinVar variation 413822 (VCV000413822.15), dbSNP rs144686314, ClinGen allele CA6436441.